The following is an entry in ClinVar:

NM_000642.3(AGL):c.4420A>G (p.Thr1474Ala)

Gene: AGL (amylo-alpha-1,6-glucosidase and 4-alpha-glucanotransferase; plus strand). Cytogenetic location: 1p21.2.
Variant type: single nucleotide variant.
Coding change: c.4420A>G on transcript NM_000642.3 (MANE Select); coding-DNA position 4420, A replaced by G.
Protein change: p.Thr1474Ala; replaces threonine 1474 with alanine.
Molecular consequence: missense variant.
Genome position (GRCh38, 1-based): chr1:99,916,670, A>G. VCF-style: chr1-99916670-A-G. GRCh37 (hg19) VCF-style: chr1-100382226-A-G.
Other names: c.4420A>G, p.Thr1474Ala (NM_000028.3, NM_000643.3, NM_000644.3 and 1 more transcripts); c.4372A>G, p.Thr1458Ala (NM_000646.3); c.4399A>G, p.Thr1467Ala (NM_001425326.1); c.4219A>G, p.Thr1407Ala (NM_001425327.1); c.4216A>G, p.Thr1406Ala (NM_001425328.1); c.4081A>G, p.Thr1361Ala (NM_001425329.1); c.4042A>G, p.Thr1348Ala (NM_001425332.1); short protein forms T1406A, T1458A, T1474A, T1361A, T1407A, T1467A, T1348A.
Identifiers: ClinVar variation 3644660 (VCV003644660.2).

ClinVar aggregate classification (germline): Uncertain significance (1 of 4 stars; one submission).

Conditions:
Glycogen storage disease type III (GSD3). Also called: FORBES DISEASE; Cori disease. Identifiers: Orphanet 366, MedGen C0017922, MONDO:0009291, OMIM 232400.

Submission:

Labcorp Genetics (formerly Invitae), Labcorp
Classification: Uncertain significance for Glycogen storage disease type III. Last evaluated: 2024-03-05. Review status: criteria provided, single submitter. Criteria: Invitae Variant Classification Sherloc (09022015). Collection method: clinical testing. Allele origin: germline.
Comment: This sequence change replaces threonine, which is neutral and polar, with alanine, which is neutral and non-polar, at codon 1474 of the AGL protein (p.Thr1474Ala). This variant is not present in population databases (gnomAD no frequency). This variant has not been reported in the literature in individuals affected with AGL-related conditions. Advanced modeling of protein sequence and biophysical properties (such as structural, functional, and spatial information, amino acid conservation, physicochemical variation, residue mobility, and thermodynamic stability) performed at Invitae indicates that this missense variant is not expected to disrupt AGL protein function with a negative predictive value of 80%. In summary, the available evidence is currently insufficient to determine the role of this variant in disease. Therefore, it has been classified as a Variant of Uncertain Significance.